The following is an entry in ClinVar:

NM_173477.5(USH1G):c.281T>C (p.Leu94Pro)

Gene: USH1G (USH1 protein network component sans; minus strand). Cytogenetic location: 17q25.1.
Variant type: single nucleotide variant.
Coding change: c.281T>C on transcript NM_173477.5 (MANE Select); coding-DNA position 281, T replaced by C.
Protein change: p.Leu94Pro; replaces leucine 94 with proline.
Molecular consequence: missense variant. On other transcripts: 5 prime UTR variant (1).
Genome position (GRCh38, 1-based): chr17:74,920,555, A>G on the plus strand (T>C on the coding strand, the complement: USH1G is on the minus strand). VCF-style: chr17-74920555-A-G. GRCh37 (hg19) VCF-style: chr17-72916650-A-G.
Other names: c.281T>C (NM_173477.2); c.-29T>C (NM_001282489.3); short protein forms L94P.
Identifiers: ClinVar variation 1924417 (VCV001924417.3), dbSNP rs749586302, ClinGen allele CA8754101.
Genomic context (GRCh38, chr17:74,920,555, plus strand): 5'-ACGCATTCCATGTGGCCCTTCATGGCAGCCATGTCCAGCGGCGTGTGGTAGTCGTTGTCT[A>G]GGCACCAGATGTTGGCTCCGAAGGACACCAGGAAGGACAGGCAGTGCAAGTGGCCATTGG-3'
Protein context (NP_775748.2, residues 84-104): LVSFGANIWC[Leu94Pro]DNDYHTPLDM

ClinVar aggregate classification (germline): Uncertain significance. Review status: criteria provided, multiple submitters, no conflicts (2 of 4 stars). 2 submissions from 2 submitters: Uncertain significance (2). Last evaluated 2025-05-19.

Allele frequency attached by ClinVar (database versions not stated): TOPMed below 0.00001; ExAC 0.00002; gnomAD exomes 0.00001.
gnomAD v4.1: 22 of 1,613,752 alleles (0.0014%); highest among the groups gnomAD compares: Admixed American, 0.025%; 1 homozygote.

Submissions (2):

GeneDx
Classification: Uncertain significance. Last evaluated: 2025-05-19. Review status: criteria provided, single submitter. Criteria: GeneDx Variant Classification Process June 2021. Collection method: clinical testing. Allele origin: germline. Affected: yes.
Comment: In silico analysis supports that this missense variant has a deleterious effect on protein structure/function; Has not been previously published as pathogenic or benign to our knowledge

Labcorp Genetics (formerly Invitae), Labcorp
Classification: Uncertain significance. Last evaluated: 2022-05-03. Review status: criteria provided, single submitter. Criteria: Invitae Variant Classification Sherloc (09022015). Collection method: clinical testing. Allele origin: germline.
Comment: This sequence change replaces leucine, which is neutral and non-polar, with proline, which is neutral and non-polar, at codon 94 of the USH1G protein (p.Leu94Pro). This variant is present in population databases (rs749586302, gnomAD 0.04%), including at least one homozygous and/or hemizygous individual. This variant has not been reported in the literature in individuals affected with USH1G-related conditions. Algorithms developed to predict the effect of missense changes on protein structure and function are either unavailable or do not agree on the potential impact of this missense change (SIFT: "Not Available"; PolyPhen-2: "Probably Damaging"; Align-GVGD: "Not Available"). In summary, the available evidence is currently insufficient to determine the role of this variant in disease. Therefore, it has been classified as a Variant of Uncertain Significance.